The following is an entry in ClinVar:

ClinVar aggregate classification (germline): Uncertain significance. Review status: criteria provided, multiple submitters, no conflicts (2 of 4 stars). 2 submissions from 2 submitters: Uncertain significance (2). Last evaluated 2020-04-13.

Conditions:
Charcot-Marie-Tooth disease type 2. Also called: Charcot-Marie-Tooth type 2. Identifiers: Orphanet 64746, MedGen C0270914, MONDO:0018993.

Submissions (2):

GeneDx
Classification: Uncertain significance. Last evaluated: 2020-04-13. Review status: criteria provided, single submitter. Criteria: GeneDx Variant Classification Process June 2021. Collection method: clinical testing. Allele origin: germline. Affected: yes.
Comment: Not observed in large population cohorts (Lek et al., 2016); In-frame deletion of 1 amino acid in a non-repeat region; In silico analysis supports a deleterious effect on protein structure/function; Has not been previously published as pathogenic or benign to our knowledge

Labcorp Genetics (formerly Invitae), Labcorp
Classification: Uncertain significance for Charcot-Marie-Tooth disease type 2. Last evaluated: 2019-03-07. Review status: criteria provided, single submitter. Criteria: Invitae Variant Classification Sherloc (09022015). Collection method: clinical testing. Allele origin: germline.
Comment: In summary, the available evidence is currently insufficient to determine the role of this variant in disease. Therefore, it has been classified as a Variant of Uncertain Significance. Experimental studies and prediction algorithms are not available for this variant, and the functional significance of the affected amino acid(s) is currently unknown. This variant has not been reported in the literature in individuals with BSCL2-related conditions. ClinVar contains an entry for this variant (Variation ID: 430032). This variant is not present in population databases (ExAC no frequency). This variant, c.491_493del, results in the deletion of 1 amino acid(s) of the BSCL2 protein (p.Phe164del), but otherwise preserves the integrity of the reading frame.

NM_001122955.4(BSCL2):c.680TCT[1] (p.Phe228del)

Genes: BSCL2 (BSCL2 lipid droplet biogenesis associated, seipin; minus strand), HNRNPUL2-BSCL2 (HNRNPUL2-BSCL2 readthrough (NMD candidate); minus strand). Cytogenetic location: 11q12.3.
Variant type: Microsatellite.
Coding change: c.680TCT[1] on transcript NM_001122955.4 (MANE Select); one copy of the 3-base unit TCT starting at c.680; the reference has two copies in a row; one copy, 3 bases deleted.
Protein change: p.Phe228del; deletes phenylalanine 228.
Molecular consequence: inframe deletion. On other transcripts: non-coding transcript variant (1).
Genome position (GRCh38, 1-based): chr11:62,692,743-62,692,745, AGA deleted on the plus strand (TCT on the coding strand, the reverse complement: BSCL2 is on the minus strand); deleting any 3 consecutive bases within chr11:62,692,743-62,692,748 gives the same sequence; the position shown is the placement nearest the transcript's 3' end. VCF-style (leftmost placement, unchanged base first): chr11-62692742-GAGA-G. GRCh37 (hg19) VCF-style: chr11-62460214-GAGA-G.
Other names: c.491_493delTCT (NM_032667.6); c.491_493del (NM_032667.6); c.488TCT[1], p.Phe164del (NM_001130702.2, NM_032667.6); c.680TCT[1], p.Phe228del (NM_001386027.1, NM_001386028.1); short protein forms F164del, F228del.
Identifiers: ClinVar variation 430032 (VCV000430032.13), dbSNP rs1131691748, ClinGen allele CA645369504.
Genomic context (GRCh38, chr11:62,692,742, plus strand): 5'-GCGTAGAGTTCCACCTCCAGCAGCTGCTTCTGCTCTGCAAAGCCAAATAGCAGGAGGCTA[GAGA>G]AGACCAGTGTGTCCAGCATCTGGAGCAGGTCTGAGCGGTAATGCAGCATCACCTGCCGGG-3'